The following is an entry in ClinVar:

ClinVar aggregate classification (germline): Uncertain significance. Review status: criteria provided, multiple submitters, no conflicts (2 of 4 stars). 2 submissions from 2 submitters: Uncertain significance (2). Last evaluated 2023-10-01.

Conditions:
Retinal dystrophy. Also called: Inherited retinal dystrophy. Identifiers: Orphanet 71862, MedGen C0854723, MeSH D058499, MONDO:0019118, HP:0000556.

Allele frequency attached by ClinVar (database versions not stated): 1000 Genomes Project 30x 0.00016.
gnomAD v4.1: 46 of 1,173,680 alleles (0.0039%); highest among the groups gnomAD compares: East Asian, 0.085%; no homozygotes.

Submissions (2):

Dept Of Ophthalmology, Nagoya University
Classification: Uncertain significance for Retinal dystrophy. Last evaluated: 2023-10-01. Review status: criteria provided, single submitter. Criteria: Submitter's publication. Collection method: research. Allele origin: germline. Affected: yes.

Labcorp Genetics (formerly Invitae), Labcorp
Classification: Uncertain significance. Last evaluated: 2022-06-01. Review status: criteria provided, single submitter. Criteria: Invitae Variant Classification Sherloc (09022015). Collection method: clinical testing. Allele origin: germline.
Comment: The frequency data for this variant in the population databases is considered unreliable, as metrics indicate insufficient coverage at this position in the gnomAD database. This sequence change replaces arginine, which is basic and polar, with cysteine, which is neutral and slightly polar, at codon 35 of the KIAA1549 protein (p.Arg35Cys). This variant has not been reported in the literature in individuals affected with KIAA1549-related conditions. Algorithms developed to predict the effect of missense changes on protein structure and function (SIFT, PolyPhen-2, Align-GVGD) all suggest that this variant is likely to be tolerated. In summary, the available evidence is currently insufficient to determine the role of this variant in disease. Therefore, it has been classified as a Variant of Uncertain Significance.

NM_001164665.2(KIAA1549):c.103C>T (p.Arg35Cys)

Gene: KIAA1549 (KIAA1549; minus strand). Cytogenetic location: 7q34.
Variant type: single nucleotide variant.
Coding change: c.103C>T on transcript NM_001164665.2 (MANE Select); coding-DNA position 103, C replaced by T.
Protein change: p.Arg35Cys; replaces arginine 35 with cysteine.
Molecular consequence: missense variant.
Genome position (GRCh38, 1-based): chr7:138,981,167, G>A on the plus strand (C>T on the coding strand, the complement: KIAA1549 is on the minus strand). VCF-style: chr7-138981167-G-A. GRCh37 (hg19) VCF-style: chr7-138665913-G-A.
Other names: c.103C>T, p.Arg35Cys (NM_020910.3); short protein forms R35C.
Identifiers: ClinVar variation 1931931 (VCV001931931.5), dbSNP rs1389685509, ClinGen allele CA369382423.
Genomic context (GRCh38, chr7:138,981,167, plus strand): 5'-CCAGCAGCAGCAGCCAGAGGCCAGGAAGCAGCAGCCCCGGGCGGCGGCGGCGGGCGCAGC[G>A]GGCGGAAGGCCGTCGGCCGCTCGGCCCCGGGGCCAGCGCGACCCCGGCGCGGGGCTTCCC-3'
Protein context (NP_001158137.1, residues 25-45): PGPSGRRPSA[Arg35Cys]CARRRRPGLL